The following is an entry in ClinVar:

ClinVar aggregate classification (germline): Uncertain significance. Review status: criteria provided, multiple submitters, no conflicts (2 of 4 stars). 3 submissions from 3 submitters: Uncertain significance (3). Last evaluated 2025-09-26.

Conditions:
PLEC-related disorder. Also called: PLEC-related disorders; PLEC-related condition.
Epidermolysis bullosa simplex 5C, with pyloric atresia (EBS5C). Also called: PLEC-Related Epidermolysis Bullosa with Pyloric Atresia; PLEC1-Related Epidermolysis Bullosa with Pyloric Atresia; Epidermolysis bullosa simplex with pyloric atresia. Identifiers: Orphanet 158684, MedGen C2677349, MONDO:0012807, OMIM 612138.
Epidermolysis bullosa simplex, Ogna type (EBS5A). Also called: Pidermolysis bullosa simplex 5A, Ogna type; EPIDERMOLYSIS BULLOSA SIMPLEX 5A, OGNA TYPE. Identifiers: Orphanet 79401, MedGen C0432317, MONDO:0007555, OMIM 131950.
Epidermolysis bullosa simplex 5B, with muscular dystrophy (EBS5B). Also called: Epidermolysis bullosa simplex with muscular dystrophy; EPIDERMOLYSIS BULLOSA SIMPLEX AND LIMB-GIRDLE MUSCULAR DYSTROPHY. Identifiers: Orphanet 257, MedGen C2931072, MONDO:0009181, OMIM 226670.
Epidermolysis bullosa simplex with nail dystrophy (EBS5D). Identifiers: MedGen C4225309, MONDO:0014661, OMIM 616487.
Autosomal recessive limb-girdle muscular dystrophy type 2Q (LGMDR17). Also called: MUSCULAR DYSTROPHY, LIMB-GIRDLE, AUTOSOMAL RECESSIVE 17. Identifiers: Orphanet 254361, MedGen C3150989, MONDO:0013390, OMIM 613723.

Allele frequency attached by ClinVar (database versions not stated): gnomAD 0.00001 and 0.00002; TOPMed 0.00002; gnomAD exomes 0.00005; ExAC 0.00007; 1000 Genomes Project 0.00040; 1000 Genomes Project 30x 0.00047.
gnomAD v4.1: 35 of 1,612,262 alleles (0.0022%); highest among the groups gnomAD compares: South Asian, 0.029%; no homozygotes.

Submissions (3):

PreventionGenetics, part of Exact Sciences
Classification: Uncertain significance for PLEC-related condition. Last evaluated: 2025-09-26. Review status: criteria provided, single submitter. Criteria: ACMG Guidelines, 2015. Collection method: clinical testing. Allele origin: germline.
Comment: The PLEC c.11018G>A variant is predicted to result in the amino acid substitution p.Arg3673His. To our knowledge, this variant has not been reported in the literature. This variant is reported in 0.036% of alleles in individuals of South Asian descent in gnomAD. At this time, the clinical significance of this variant is uncertain due to the absence of conclusive functional and genetic evidence.

Labcorp Genetics (formerly Invitae), Labcorp
Classification: Uncertain significance for Autosomal recessive limb-girdle muscular dystrophy type 2Q; Epidermolysis bullosa simplex, Ogna type; Epidermolysis bullosa simplex with nail dystrophy; Epidermolysis bullosa simplex 5C, with pyloric atresia; Epidermolysis bullosa simplex 5B, with muscular dystrophy. Last evaluated: 2025-08-15. Review status: criteria provided, single submitter. Criteria: Invitae Variant Classification Sherloc (09022015). Collection method: clinical testing. Allele origin: germline.
Comment: This sequence change replaces arginine, which is basic and polar, with histidine, which is basic and polar, at codon 3673 of the PLEC protein (p.Arg3673His). This variant is present in population databases (rs562181035, gnomAD 0.04%). This variant has not been reported in the literature in individuals affected with PLEC-related conditions. ClinVar contains an entry for this variant (Variation ID: 573579). An algorithm developed to predict the effect of missense changes on protein structure and function (PolyPhen-2) suggests that this variant is likely to be tolerated. In summary, the available evidence is currently insufficient to determine the role of this variant in disease. Therefore, it has been classified as a Variant of Uncertain Significance.

Revvity Omics, Revvity
Classification: Uncertain significance. Last evaluated: 2025-05-27. Review status: criteria provided, single submitter. Criteria: ACMG Guidelines, 2015. Collection method: clinical testing. Allele origin: germline.

NM_201384.3(PLEC):c.10937G>A (p.Arg3646His)

Gene: PLEC (plectin; minus strand). Cytogenetic location: 8q24.3.
Variant type: single nucleotide variant.
Coding change: c.10937G>A on transcript NM_201384.3 (MANE Select); coding-DNA position 10937, G replaced by A.
Protein change: p.Arg3646His; replaces arginine 3646 with histidine.
Molecular consequence: missense variant.
Genome position (GRCh38, 1-based): chr8:143,918,884, C>T on the plus strand (G>A on the coding strand, the complement: PLEC is on the minus strand). VCF-style: chr8-143918884-C-T. GRCh37 (hg19) VCF-style: chr8-144993052-C-T.
Other names: c.11018G>A, p.Arg3673His (NM_000445.5); c.10895G>A, p.Arg3632His (NM_201378.4); c.10871G>A, p.Arg3624His (NM_201379.3); c.11348G>A, p.Arg3783His (NM_201380.4); c.10841G>A, p.Arg3614His (NM_201381.3); c.10937G>A, p.Arg3646His (NM_201382.4); c.10949G>A, p.Arg3650His (NM_201383.3); short protein forms R3632H, R3783H, R3614H, R3650H, R3673H, R3624H, R3646H.
Identifiers: ClinVar variation 573579 (VCV000573579.12), dbSNP rs562181035, ClinGen allele CA4924488.